The following is an entry in ClinVar:

ClinVar aggregate classification (germline): Conflicting classifications of pathogenicity. Review status: criteria provided, conflicting classifications (1 of 4 stars). 4 submissions from 4 submitters: Uncertain significance (1); Likely benign (2). 1 of the submissions does not count toward it. Last evaluated 2025-03-25.

Conditions:
JAG1-related disorder. Also called: JAG1-related disorders; JAG1-related condition.
Cardiovascular phenotype. Identifiers: MedGen CN230736.
Alagille syndrome due to a JAG1 point mutation. Also called: Alagille Syndrome 1; HEPATIC DUCTULAR HYPOPLASIA, SYNDROMATIC; JAG1-Related Alagille Syndrome. Identifiers: Orphanet 261619, Orphanet 52, MedGen C1956125, MONDO:0016862, OMIM 118450.

Allele frequency attached by ClinVar (database versions not stated): ExAC 0.00001; TOPMed 0.00003; gnomAD exomes below 0.00001; gnomAD 0.00002; ESP Exome Variant Server 0.00008.
gnomAD v4.1: 7 of 1,614,112 alleles (0.00043%); highest among the groups gnomAD compares: Admixed American, 0.005%; no homozygotes.

Submissions (4):

Labcorp Genetics (formerly Invitae), Labcorp
Classification: Likely benign for Alagille syndrome due to a JAG1 point mutation. Last evaluated: 2025-03-25. Review status: criteria provided, single submitter. Criteria: Invitae Variant Classification Sherloc (09022015). Collection method: clinical testing. Allele origin: germline.

Ambry Genetics
Classification: Likely benign for Cardiovascular phenotype. Last evaluated: 2024-10-08. Review status: criteria provided, single submitter. Criteria: Ambry Variant Classification Scheme 2023. Collection method: clinical testing. Allele origin: germline.

Eurofins Ntd Llc (ga)
Classification: Uncertain significance. Last evaluated: 2018-07-31. Review status: criteria provided, single submitter. Criteria: EGL ClinVar v180209 classification definitions. Collection method: clinical testing. Allele origin: germline. Observed: 1 variant allele, 1 heterozygote.

PreventionGenetics, part of Exact Sciences
Classification: Likely benign for JAG1-related condition. Last evaluated: 2021-06-24. Review status: no assertion criteria provided. Collection method: clinical testing. Allele origin: germline. Not counted in ClinVar's aggregate classification.
Comment: This variant is classified as likely benign based on ACMG/AMP sequence variant interpretation guidelines (Richards et al. 2015 PMID: 25741868, with internal and published modifications).

NM_000214.3(JAG1):c.489C>T (p.Pro163=)

Gene: JAG1 (jagged canonical Notch ligand 1; minus strand). Cytogenetic location: 20p12.2.
Variant type: single nucleotide variant.
Coding change: c.489C>T on transcript NM_000214.3 (MANE Select); coding-DNA position 489, C replaced by T.
Protein change: p.Pro163=; no amino-acid change (proline 163 retained).
Molecular consequence: synonymous variant.
Genome position (GRCh38, 1-based): chr20:10,658,673, G>A on the plus strand (C>T on the coding strand, the complement: JAG1 is on the minus strand). VCF-style: chr20-10658673-G-A. GRCh37 (hg19) VCF-style: chr20-10639321-G-A.
Other names: c.489C>T (NM_000214.2); c.489C>T, p.Pro163= (LRG_1191t1).
Identifiers: ClinVar variation 598231 (VCV000598231.11), dbSNP rs376298235, ClinGen allele CA9765121.